The following is an entry in ClinVar:

NM_001083116.3(PRF1):c.409C>T (p.Pro137Ser)

Gene: PRF1 (perforin 1; minus strand). Cytogenetic location: 10q22.1.
Variant type: single nucleotide variant.
Coding change: c.409C>T on transcript NM_001083116.3 (MANE Select); coding-DNA position 409, C replaced by T.
Protein change: p.Pro137Ser; replaces proline 137 with serine.
Molecular consequence: missense variant.
Genome position (GRCh38, 1-based): chr10:70,600,494, G>A on the plus strand (C>T on the coding strand, the complement: PRF1 is on the minus strand). VCF-style: chr10-70600494-G-A. GRCh37 (hg19) VCF-style: chr10-72360250-G-A.
Other names: c.409C>T, p.Pro137Ser (NM_005041.6); short protein forms P137S.
Identifiers: ClinVar variation 1986058 (VCV001986058.4), dbSNP rs1241445945, ClinGen allele CA376959482.

ClinVar aggregate classification (germline): Uncertain significance (1 of 4 stars; one submission).

Conditions:
Familial hemophagocytic lymphohistiocytosis 2 (FHL2). Also called: PRF1-Related Familial Hemophagocytic Lymphohistiocytosis (PRF1-fHLH). Identifiers: Orphanet 540, MedGen C1863727, MONDO:0011337, OMIM 603553.

Allele frequency attached by ClinVar (database versions not stated): TOPMed below 0.00001; gnomAD 0.00001.
gnomAD v4.1: 1 of 1,614,060 alleles (0.000062%); highest among the groups gnomAD compares: Non-Finnish European, 0.000085%; no homozygotes.

Submission:

Labcorp Genetics (formerly Invitae), Labcorp
Classification: Uncertain significance for Familial hemophagocytic lymphohistiocytosis 2. Last evaluated: 2022-04-19. Review status: criteria provided, single submitter. Criteria: Invitae Variant Classification Sherloc (09022015). Collection method: clinical testing. Allele origin: germline.
Comment: This variant has not been reported in the literature in individuals affected with PRF1-related conditions. This variant is not present in population databases (gnomAD no frequency). This sequence change replaces proline, which is neutral and non-polar, with serine, which is neutral and polar, at codon 137 of the PRF1 protein (p.Pro137Ser). In summary, the available evidence is currently insufficient to determine the role of this variant in disease. Therefore, it has been classified as a Variant of Uncertain Significance. Algorithms developed to predict the effect of missense changes on protein structure and function (SIFT, PolyPhen-2, Align-GVGD) all suggest that this variant is likely to be tolerated.